The following is an entry in ClinVar:

NM_001378452.1(ITPR1):c.8029G>C (p.Glu2677Gln)

Gene: ITPR1 (inositol 1,4,5-trisphosphate receptor type 1; plus strand). Cytogenetic location: 3p26.1.
Variant type: single nucleotide variant.
Coding change: c.8029G>C on transcript NM_001378452.1 (MANE Select); coding-DNA position 8029, G replaced by C.
Protein change: p.Glu2677Gln; replaces glutamic acid 2677 with glutamine.
Molecular consequence: missense variant.
Genome position (GRCh38, 1-based): chr3:4,836,774, G>C. VCF-style: chr3-4836774-G-C. GRCh37 (hg19) VCF-style: chr3-4878458-G-C.
Other names: c.7885G>C, p.Glu2629Gln (NM_001099952.4); c.7984G>C, p.Glu2662Gln (NM_001168272.2); c.7840G>C, p.Glu2614Gln (NM_002222.7); short protein forms E2677Q, E2629Q, E2662Q, E2614Q.
Identifiers: ClinVar variation 1446424 (VCV001446424.8), dbSNP rs2106544113, ClinGen allele CA351793473.

ClinVar aggregate classification (germline): Uncertain significance (1 of 4 stars; one submission).

Submission:

Labcorp Genetics (formerly Invitae), Labcorp
Classification: Uncertain significance. Last evaluated: 2023-05-22. Review status: criteria provided, single submitter. Criteria: Invitae Variant Classification Sherloc (09022015). Collection method: clinical testing. Allele origin: germline.
Comment: This sequence change replaces glutamic acid, which is acidic and polar, with glutamine, which is neutral and polar, at codon 2614 of the ITPR1 protein (p.Glu2614Gln). This variant is not present in population databases (gnomAD no frequency). This variant has not been reported in the literature in individuals affected with ITPR1-related conditions. ClinVar contains an entry for this variant (Variation ID: 1446424). An algorithm developed to predict the effect of missense changes on protein structure and function (PolyPhen-2) suggests that this variant is likely to be tolerated. In summary, the available evidence is currently insufficient to determine the role of this variant in disease. Therefore, it has been classified as a Variant of Uncertain Significance.